The following is an entry in ClinVar:

ClinVar aggregate classification (germline): Pathogenic (1 of 4 stars; one submission).

Allele frequency attached by ClinVar (database versions not stated): gnomAD 0.00001.

Submission:

Labcorp Genetics (formerly Invitae), Labcorp
Classification: Pathogenic. Last evaluated: 2021-04-15. Review status: criteria provided, single submitter. Criteria: Invitae Variant Classification Sherloc (09022015). Collection method: clinical testing. Allele origin: germline.
Comment: This sequence change creates a premature translational stop signal (p.Ile4803Serfs*4) in the USH2A gene. It is expected to result in an absent or disrupted protein product. Loss-of-function variants in USH2A are known to be pathogenic (PMID: 10729113, 10909849, 20507924, 25649381). This variant is not present in population databases (ExAC no frequency). This variant has not been reported in the literature in individuals with USH2A-related conditions. For these reasons, this variant has been classified as Pathogenic.

Literature cited by the submitters: PubMed 10729113; PubMed 10909849; PubMed 20507924; PubMed 25649381.

NM_206933.4(USH2A):c.14406_14407insTC (p.Ile4803fs)

Gene: USH2A (usherin; minus strand). Cytogenetic location: 1q41.
Variant type: Insertion.
Coding change: c.14406_14407insTC on transcript NM_206933.4 (MANE Select); coding-DNA positions 14406 to 14407, TC inserted.
Protein change: p.Ile4803fs; shifts the reading frame from isoleucine 4803.
Molecular consequence: frameshift variant.
Genome position: GRCh38 VCF-style: chr1-215648703-T-TGA. GRCh37 (hg19) VCF-style: chr1-215822045-T-TGA.
Other names: short protein forms I4803fs.
Identifiers: ClinVar variation 1445479 (VCV001445479.4), dbSNP rs1656944247, ClinGen allele CA1012188254.
Genomic context (GRCh38, chr1:215,648,703, plus strand): 5'-TCAGTTCAGCTGTCGGTCCTTTGCTGCAACAGTTGAAGCAGGTGCAGGCCTCTACTCCAA[T>TGA]AGAGTAGTTAGTGAAGGCTTGAAGGCCATGGAGAGTCTGCTGGGTGGCCATGCCTTCGGA-3'